The following is an entry in ClinVar:

NM_000492.4(CFTR):c.1990G>T (p.Glu664Ter)

Gene: CFTR (CF transmembrane conductance regulator; plus strand). Cytogenetic location: 7q31.2.
Variant type: single nucleotide variant.
Coding change: c.1990G>T on transcript NM_000492.4 (MANE Select); coding-DNA position 1990, G replaced by T.
Protein change: p.Glu664Ter; replaces glutamic acid 664 with a stop codon.
Molecular consequence: nonsense.
Genome position (GRCh38, 1-based): chr7:117,592,157, G>T. VCF-style: chr7-117592157-G-T. GRCh37 (hg19) VCF-style: chr7-117232211-G-T.
Other names: p.Glu664X; E664X; short protein forms E664*.
Identifiers: ClinVar variation 53422 (VCV000053422.13), dbSNP rs397508327, ClinGen allele CA326725.

ClinVar aggregate classification (germline): Pathogenic. Review status: reviewed by expert panel (3 of 4 stars). 8 submissions from 8 submitters: Pathogenic (1). 7 of the submissions do not count toward it. Last evaluated 2020-07-31.

Conditions:
CFTR-related disorder (CFTR-RD). Also called: CFTR-related condition; CFTR-related disorders. Identifiers: MedGen C5924204, MONDO:7770004.
Cystic fibrosis (CF). Also called: MUCOVISCIDOSIS. Identifiers: Orphanet 586, MedGen C0010674, MONDO:0009061, OMIM 219700. Disease mechanism: loss of function.

Submissions (8):

CFTR2
Classification: Pathogenic for Cystic fibrosis. Last evaluated: 2020-07-31. Review status: reviewed by expert panel. Criteria: Submitter's publication and website. Collection method: research. Allele origin: germline. Affected: yes.

Natera, Inc.
Classification: Pathogenic for CFTR-related disorders. Last evaluated: 2025-07-24. Review status: criteria provided, single submitter. Criteria: Natera Variant Classification Schema (03/2026). Collection method: clinical testing. Allele origin: germline. Not counted in ClinVar's aggregate classification.
Comment: The c.1990G>T variant in CFTR is a nonsense variant predicted to introduce a stop codon at amino acid 664. This variant is expected to result in nonsense mediated decay, truncation, or a dysfunctional protein product. This variant is rare in the general population with a frequency below the threshold expected for the associated phenotype(s). This variant has been observed in one or more individuals affected with the associated recessive disease, as either homozygous or compound heterozygous with a second variant (PMID: 9101301, 20714932). Given the available evidence, this variant is classified as Pathogenic.

Ambry Genetics
Classification: Pathogenic for Cystic fibrosis. Last evaluated: 2023-12-13. Review status: criteria provided, single submitter. Criteria: Ambry Variant Classification Scheme 2023. Collection method: clinical testing. Allele origin: germline. Not counted in ClinVar's aggregate classification.
Comment: The p.E664* pathogenic mutation (also known as c.1990G>T), located in coding exon 14 of the CFTR gene, results from a G to T substitution at nucleotide position 1990. This changes the amino acid from a glutamic acid to a stop codon within coding exon 14. This changes the amino acid from a glutamic acid to a stop codon within coding exon 14. This mutation was first reported in an individual diagnosed with cystic fibrosis who was also heterozygous for p.F508del; however, the phase was not provided (Clavel C et al. Hum. Mutat., 1997;9:368-9). In addition to the clinical data presented in the literature, this alteration is expected to result in loss of function by premature protein truncation or nonsense-mediated mRNA decay. As such, this alteration is interpreted as a disease-causing mutation.

Institute of Human Genetics, University of Leipzig Medical Center
Classification: Pathogenic for Cystic fibrosis. Last evaluated: 2022-09-05. Review status: criteria provided, single submitter. Criteria: ACMG Guidelines, 2015. Collection method: curation. Allele origin: unknown. Affected: yes. Observed: 1 variant allele. Not counted in ClinVar's aggregate classification.
Comment: The variant was classified in the context of a project re-classifying variants in the German Cystic Fibrosis Registry (Muko.e.V.). Criteria applied: PVS1, PS3_SUP, PM2_SUP, PM3_STR, PP4

Revvity Omics, Revvity
Classification: Pathogenic. Last evaluated: 2022-08-22. Review status: criteria provided, single submitter. Criteria: ACMG Guidelines, 2015. Collection method: clinical testing. Allele origin: germline. Not counted in ClinVar's aggregate classification.

CFTR-France
Classification: Pathogenic for cystic fibrosis. Last evaluated: 2018-01-29. Review status: criteria provided, single submitter. Criteria: Claustres M et al. (Hum Mutat 2017). Collection method: curation. Allele origin: germline. Affected: yes. Not counted in ClinVar's aggregate classification.

Counsyl
Classification: Likely pathogenic for Cystic fibrosis. Last evaluated: 2017-06-21. Review status: no assertion criteria provided. Collection method: clinical testing. Allele origin: unknown. Not counted in ClinVar's aggregate classification.

ClinVar Staff, National Center for Biotechnology Information (NCBI)
No classification provided. Condition: CFTR-related disorders. Review status: no classification provided. Collection method: literature only. Allele origin: germline. Affected: yes. Not counted in ClinVar's aggregate classification.

Literature cited by the submitters: PubMed 9101301 (cited by 4 submitters); PubMed 20714932 (cited by Natera, Inc. and Counsyl).